The following is an entry in ClinVar:

NM_001369.3(DNAH5):c.2261dup (p.Met754fs)

Genes: DNAH5 (dynein axonemal heavy chain 5; minus strand), DNAH5-AS1 (DNAH5 antisense RNA 1; plus strand). Cytogenetic location: 5p15.2.
Variant type: Duplication.
Coding change: c.2261dup on transcript NM_001369.3 (MANE Select); coding-DNA position 2261, one base duplicated (T; older notation c.2261dupT).
Protein change: p.Met754fs; shifts the reading frame from methionine 754.
Molecular consequence: frameshift variant.
Genome position (GRCh38, 1-based): chr5:13,894,820, A duplicated on the plus strand (T on the coding strand, the reverse complement: DNAH5 is on the minus strand). VCF-style (leftmost placement, unchanged base first): chr5-13894819-C-CA. GRCh37 (hg19) VCF-style: chr5-13894928-C-CA.
Other names: c.2261dupT (NM_001369.2); short protein forms M754fs.
Identifiers: ClinVar variation 39649 (VCV000039649.17), dbSNP rs672601333, ClinGen allele CA261197.
Genomic context (GRCh38, chr5:13,894,819, plus strand): 5'-AATCAATTGCTCAATGGCAGCAGGTATTTTTGACTTCACTCTCTGATATTCAGCTAGCAT[C>CA]ATCTGCAATGAAATTGGGGTTAAGTAATCAATTAATATCTCACTTCTAATGTCTGTTAAT-3'

ClinVar aggregate classification (germline): Pathogenic. Review status: criteria provided, multiple submitters, no conflicts (2 of 4 stars). 4 submissions from 4 submitters: Pathogenic (2). 2 of the submissions do not count toward it. Last evaluated 2024-05-14.

Conditions:
Primary ciliary dyskinesia. Also called: Ciliary dyskinesia. Identifiers: Orphanet 244, MedGen C0008780, MONDO:0016575, HP:0012265.
Primary ciliary dyskinesia 3. Identifiers: Orphanet 244, MedGen C1837618, MONDO:0012085, OMIM 608644.

Allele frequency attached by ClinVar (database versions not stated): gnomAD exomes below 0.00001.

Submissions (4):

Myriad Genetics, Inc.
Classification: Pathogenic for Primary ciliary dyskinesia 3. Last evaluated: 2024-05-14. Review status: criteria provided, single submitter. Criteria: Myriad Autosomal Dominant, Autosomal Recessive and X-Linked Classification Criteria (2023). Collection method: clinical testing. Allele origin: unknown.
Comment: NM_001369.2(DNAH5):c.2261dupT(M754Ifs*5) is expected to be pathogenic in the context of primary ciliary dyskinesia, DNAH5-related. This variant is predicted to lead to an abnormal or absent protein product due to the creation of a premature termination codon in DNAH5, a gene where loss-of-function variants are known to be pathogenic. Please note: this variant was assessed in the context of healthy population screening.

Labcorp Genetics (formerly Invitae), Labcorp
Classification: Pathogenic for Primary ciliary dyskinesia. Last evaluated: 2023-11-19. Review status: criteria provided, single submitter. Criteria: Invitae Variant Classification Sherloc (09022015). Collection method: clinical testing. Allele origin: germline.
Comment: This sequence change creates a premature translational stop signal (p.Met754Ilefs*5) in the DNAH5 gene. It is expected to result in an absent or disrupted protein product. Loss-of-function variants in DNAH5 are known to be pathogenic (PMID: 11788826, 16627867). This variant is not present in population databases (gnomAD no frequency). This premature translational stop signal has been observed in individual(s) with primary ciliary dyskinesia (PMID: 23261302). It has also been observed to segregate with disease in related individuals. This variant is also known as c.2261_2262insT. ClinVar contains an entry for this variant (Variation ID: 39649). For these reasons, this variant has been classified as Pathogenic.

Natera, Inc.
Classification: Pathogenic for Primary ciliary dyskinesia. Last evaluated: 2021-07-26. Review status: no assertion criteria provided. Collection method: clinical testing. Allele origin: germline. Not counted in ClinVar's aggregate classification.

OMIM
Classification: Pathogenic for CILIARY DYSKINESIA, PRIMARY, 3. Last evaluated: 2013-01-10. Review status: no assertion criteria provided. Collection method: literature only. Allele origin: germline. Not counted in ClinVar's aggregate classification.

Literature cited by the submitters: PubMed 11788826 (cited by Labcorp Genetics (formerly Invitae), Labcorp); PubMed 16627867 (cited by Labcorp Genetics (formerly Invitae), Labcorp); PubMed 23261302 (cited by Labcorp Genetics (formerly Invitae), Labcorp and OMIM).